The following is an entry in ClinVar:

ClinVar aggregate classification (germline): Pathogenic. Review status: criteria provided, multiple submitters, no conflicts (2 of 4 stars). 5 submissions from 5 submitters: Pathogenic (5). Last evaluated 2024-11-12.

Conditions:
Hereditary breast ovarian cancer syndrome. Also called: Hereditary breast and ovarian cancer syndrome; Hereditary breast and/or ovarian cancer syndrome; BRCA1- and BRCA2-Associated Hereditary Breast and Ovarian Cancer; Hereditary breast and ovarian cancer syndrome (HBOC); Breast and ovarian cancer; Hereditary breast and ovarian cancer. Identifiers: Orphanet 145, MedGen C0677776, MeSH D061325, MONDO:0003582. Disease mechanism: loss of function.
Breast-ovarian cancer, familial, susceptibility to, 2 (BROVCA2). Also called: BRCA2 Hereditary Breast and Ovarian Cancer. Identifiers: Orphanet 145, MedGen C2675520, MONDO:0012933, OMIM 612555. Disease mechanism: loss of function.
Hereditary cancer-predisposing syndrome. Also called: Hereditary neoplastic syndrome; Neoplastic Syndromes, Hereditary; Hereditary Cancer Syndrome; Tumor predisposition. Identifiers: Orphanet 140162, MedGen C0027672, MeSH D009386, MONDO:0015356.

Submissions (5):

Molecular Pathology, Peter Maccallum Cancer Centre
Classification: Pathogenic for Breast-ovarian cancer, familial, susceptibility to, 2. Last evaluated: 2024-11-12. Review status: criteria provided, single submitter. Criteria: ACMG Guidelines, 2015. Collection method: clinical testing. Allele origin: germline. Inheritance: Autosomal dominant inheritance.

Myriad Genetics, Inc.
Classification: Pathogenic for Breast-ovarian cancer, familial, susceptibility to, 2. Last evaluated: 2024-05-29. Review status: criteria provided, single submitter. Criteria: Myriad Autosomal Dominant, Autosomal Recessive and X-Linked Classification Criteria (2023). Collection method: clinical testing. Allele origin: unknown.
Comment: This variant is considered pathogenic. This variant creates a frameshift predicted to result in premature protein truncation.

Ambry Genetics
Classification: Pathogenic for Hereditary cancer-predisposing syndrome. Last evaluated: 2023-11-16. Review status: criteria provided, single submitter. Criteria: Ambry Variant Classification Scheme 2023. Collection method: clinical testing. Allele origin: germline.
Comment: The c.8696_8712del17 pathogenic mutation, located in coding exon 20 of the BRCA2 gene, results from a deletion of 17 nucleotides at nucleotide positions 8696 to 8712, causing a translational frameshift with a predicted alternate stop codon (p.Q2899Lfs*2). This alteration is expected to result in loss of function by premature protein truncation or nonsense-mediated mRNA decay. As such, this alteration is interpreted as a disease-causing mutation.

National Health Laboratory Service, Universitas Academic Hospital and University of the Free State
Classification: Pathogenic for Hereditary breast ovarian cancer syndrome. Last evaluated: 2022-04-19. Review status: criteria provided, single submitter. Criteria: ACMG Guidelines, 2015. Collection method: clinical testing. Allele origin: germline. Affected: yes. Observed: 2 variant alleles.

Color Diagnostics, LLC DBA Color Health
Classification: Pathogenic for Hereditary cancer-predisposing syndrome. Last evaluated: 2020-08-04. Review status: criteria provided, single submitter. Criteria: ACMG Guidelines, 2015. Collection method: clinical testing. Allele origin: germline.
Comment: This variant deletes 17 nucleotides in exon 21 of the BRCA2 gene, creating a frameshift and premature translation stop signal. This variant is expected to result in an absent or non-functional protein product. To our knowledge, this variant has not been reported in individuals affected with hereditary cancer in the literature. This variant has not been identified in the general population by the Genome Aggregation Database (gnomAD). Loss of BRCA2 function is a known mechanism of disease. Based on the available evidence, this variant is classified as Pathogenic.

Literature cited by the submitters: DOI 10.3389/fgene.2022.834265 (cited by National Health Laboratory Service, Universitas Academic Hospital and University of the Free State).

NM_000059.4(BRCA2):c.8696_8712del (p.Gln2899fs)

Gene: BRCA2 (BRCA2 DNA repair associated; plus strand). Cytogenetic location: 13q13.1.
Variant type: Deletion.
Coding change: c.8696_8712del on transcript NM_000059.4 (MANE Select); coding-DNA positions 8696 to 8712, 17 bases deleted (AAGATGGTGCAGAGCTT).
Protein change: p.Gln2899fs; shifts the reading frame from glutamine 2899.
Molecular consequence: frameshift variant.
Genome position (GRCh38, 1-based): chr13:32,376,733-32,376,749, AAGATGGTGCAGAGCTT deleted. VCF-style (leftmost placement, unchanged base first): chr13-32376732-CAAGATGGTGCAGAGCTT-C. GRCh37 (hg19) VCF-style: chr13-32950869-CAAGATGGTGCAGAGCTT-C.
Other names: NP_000050.3:p.Gln2899LeufsTer2; c.8696_8712del17 (NM_000059.3); short protein forms Q2899fs.
Identifiers: ClinVar variation 1170996 (VCV001170996.21), dbSNP rs2137612961, ClinGen allele CA1139771121.